The following is an entry in ClinVar:

NM_000552.5(VWF):c.1051G>A (p.Val351Met)

Gene: VWF (von Willebrand factor; minus strand). Cytogenetic location: 12p13.31.
Variant type: single nucleotide variant.
Coding change: c.1051G>A on transcript NM_000552.5 (MANE Select); coding-DNA position 1051, G replaced by A.
Protein change: p.Val351Met; replaces valine 351 with methionine.
Molecular consequence: missense variant.
Genome position (GRCh38, 1-based): chr12:6,072,389, C>T on the plus strand (G>A on the coding strand, the complement: VWF is on the minus strand). VCF-style: chr12-6072389-C-T. GRCh37 (hg19) VCF-style: chr12-6181555-C-T.
Other names: short protein forms V351M.
Identifiers: ClinVar variation 310087 (VCV000310087.6), dbSNP rs535978867, ClinGen allele CA6403576.

ClinVar aggregate classification (germline): Uncertain significance (1 of 4 stars; one submission).

Allele frequency attached by ClinVar (database versions not stated): ExAC 0.00003; gnomAD 0.00003; TOPMed 0.00003; gnomAD exomes 0.00004.
gnomAD v4.1: 61 of 1,613,984 alleles (0.0038%); highest among the groups gnomAD compares: African/African-American, 0.011%; no homozygotes.

Submission:

GeneDx
Classification: Uncertain significance. Last evaluated: 2022-09-13. Review status: criteria provided, single submitter. Criteria: GeneDx Variant Classification Process June 2021. Collection method: clinical testing. Allele origin: germline. Affected: yes.
Comment: In silico analysis supports that this missense variant does not alter protein structure/function; Has not been previously published as pathogenic or benign to our knowledge